The following is an entry in ClinVar:

ClinVar aggregate classification (germline): Likely benign (0 of 4 stars; one submission).

Conditions:
PDZD2-related disorder. Also called: PDZD2-related condition.

Allele frequency attached by ClinVar (database versions not stated): gnomAD 0.00007; TOPMed 0.00015; ExAC 0.00016; 1000 Genomes Project 0.00060; 1000 Genomes Project 30x 0.00078.
gnomAD v4.1: 110 of 1,614,188 alleles (0.0068%); highest among the groups gnomAD compares: East Asian, 0.16%; no homozygotes.

Submission:

PreventionGenetics, part of Exact Sciences
Classification: Likely benign for PDZD2-related condition. Last evaluated: 2023-06-08. Review status: no assertion criteria provided. Collection method: clinical testing. Allele origin: germline.
Comment: This variant is classified as likely benign based on ACMG/AMP sequence variant interpretation guidelines (Richards et al. 2015 PMID: 25741868, with internal and published modifications).

NM_178140.4(PDZD2):c.2896G>A (p.Asp966Asn)

Gene: PDZD2 (PDZ domain containing 2; plus strand). Cytogenetic location: 5p13.3.
Variant type: single nucleotide variant.
Coding change: c.2896G>A on transcript NM_178140.4 (MANE Select); coding-DNA position 2896, G replaced by A.
Protein change: p.Asp966Asn; replaces aspartic acid 966 with asparagine.
Molecular consequence: missense variant.
Genome position (GRCh38, 1-based): chr5:32,074,002, G>A. VCF-style: chr5-32074002-G-A. GRCh37 (hg19) VCF-style: chr5-32074108-G-A.
Other names: short protein forms D966N.
Identifiers: ClinVar variation 3051677 (VCV003051677.2), dbSNP rs201901247, ClinGen allele CA3219343.